The following is an entry in ClinVar:

ClinVar aggregate classification (germline): Uncertain significance (1 of 4 stars; one submission).

Conditions:
Cardiovascular phenotype. Identifiers: MedGen CN230736.
Hereditary cancer-predisposing syndrome. Also called: Tumor predisposition; Hereditary neoplastic syndrome; Neoplastic Syndromes, Hereditary; Hereditary Cancer Syndrome. Identifiers: Orphanet 140162, MedGen C0027672, MeSH D009386, MONDO:0015356.

Submission:

Ambry Genetics
Classification: Uncertain significance for Cardiovascular phenotype; Hereditary cancer-predisposing syndrome. Last evaluated: 2025-04-14. Review status: criteria provided, single submitter. Criteria: Ambry Variant Classification Scheme 2023. Collection method: clinical testing. Allele origin: germline.
Comment: The p.M462K variant (also known as c.1385T>A), located in coding exon 12 of the NF1 gene, results from a T to A substitution at nucleotide position 1385. The methionine at codon 462 is replaced by lysine, an amino acid with similar properties. This amino acid position is conserved. In addition, the in silico prediction for this alteration is inconclusive. Based on the available evidence, the clinical significance of this variant remains unclear.

NM_001042492.3(NF1):c.1385T>A (p.Met462Lys)

Gene: NF1 (neurofibromin 1; plus strand). Cytogenetic location: 17q11.2.
Variant type: single nucleotide variant.
Coding change: c.1385T>A on transcript NM_001042492.3 (MANE Select); coding-DNA position 1385, T replaced by A.
Protein change: p.Met462Lys; replaces methionine 462 with lysine.
Molecular consequence: missense variant.
Genome position (GRCh38, 1-based): chr17:31,206,364, T>A. VCF-style: chr17-31206364-T-A. GRCh37 (hg19) VCF-style: chr17-29533382-T-A.
Other names: c.1385T>A, p.Met462Lys (NM_000267.4, NM_001128147.3); short protein forms M462K.
Identifiers: ClinVar variation 4022378 (VCV004022378.1).